The following is an entry in ClinVar:

NM_004304.5(ALK):c.3883T>C (p.Trp1295Arg)

Gene: ALK (ALK receptor tyrosine kinase; minus strand). Cytogenetic location: 2p23.2.
Variant type: single nucleotide variant.
Coding change: c.3883T>C on transcript NM_004304.5 (MANE Select); coding-DNA position 3883, T replaced by C.
Protein change: p.Trp1295Arg; replaces tryptophan 1295 with arginine.
Molecular consequence: missense variant.
Genome position (GRCh38, 1-based): chr2:29,207,226, A>G on the plus strand (T>C on the coding strand, the complement: ALK is on the minus strand). VCF-style: chr2-29207226-A-G. GRCh37 (hg19) VCF-style: chr2-29430092-A-G.
Other names: c.679T>C, p.Trp227Arg (NM_001353765.2); short protein forms W1295R, W227R.
Identifiers: ClinVar variation 4040519 (VCV004040519.1).
Genomic context (GRCh38, chr2:29,207,226, plus strand): 5'-CTTACCATGTGTCTGTTTTAGAAGTGAATATTCCTTCCATGAAGGCCTCTGGGGGCATCC[A>G]CTTAACTGGCAGCATGGCACAGCCTCCCTTTCTATAGTAGCTCGCCCTGTGGGGAAGGAG-3'
Protein context (NP_004295.2, residues 1285-1305): KGGCAMLPVK[Trp1295Arg]MPPEAFMEGI

ClinVar aggregate classification (germline): Uncertain significance (1 of 4 stars; one submission).

Conditions:
Hereditary cancer-predisposing syndrome. Also called: Neoplastic Syndromes, Hereditary; Tumor predisposition; Hereditary neoplastic syndrome; Hereditary Cancer Syndrome. Identifiers: Orphanet 140162, MedGen C0027672, MeSH D009386, MONDO:0015356.

Submission:

Ambry Genetics
Classification: Uncertain significance for Hereditary cancer-predisposing syndrome. Last evaluated: 2025-04-04. Review status: criteria provided, single submitter. Criteria: Ambry Variant Classification Scheme 2023. Collection method: clinical testing. Allele origin: germline.
Comment: The p.W1295R variant (also known as c.3883T>C), located in coding exon 26 of the ALK gene, results from a T to C substitution at nucleotide position 3883. The tryptophan at codon 1295 is replaced by arginine, an amino acid with dissimilar properties. This amino acid position is conserved. In addition, this alteration is predicted to be deleterious by in silico analysis. Based on the available evidence, the clinical significance of this variant remains unclear.